The following is an entry in ClinVar:

NM_015474.4(SAMHD1):c.1219dup (p.Tyr407fs)

Gene: SAMHD1 (SAM and HD domain containing deoxynucleoside triphosphate triphosphohydrolase 1; minus strand). Cytogenetic location: 20q11.23.
Variant type: Duplication.
Coding change: c.1219dup on transcript NM_015474.4 (MANE Select); coding-DNA position 1219, one base duplicated (T; older notation c.1219dupT).
Protein change: p.Tyr407fs; shifts the reading frame from tyrosine 407.
Molecular consequence: frameshift variant.
Genome position (GRCh38, 1-based): chr20:36,911,269, A duplicated on the plus strand (T on the coding strand, the reverse complement: SAMHD1 is on the minus strand). VCF-style (leftmost placement, unchanged base first): chr20-36911268-T-TA. GRCh37 (hg19) VCF-style: chr20-35539671-T-TA.
Other names: c.1219dup, p.Tyr407fs (NM_001363729.2, NM_001363733.2); short protein forms Y407fs.
Identifiers: ClinVar variation 2118253 (VCV002118253.4), dbSNP rs2515236164, ClinGen allele CA2580098158.

ClinVar aggregate classification (germline): Pathogenic (1 of 4 stars; one submission).

Conditions:
Aicardi-Goutieres syndrome 5. Identifiers: Orphanet 51, MedGen C2749659, MONDO:0013059, OMIM 612952.

Submission:

Labcorp Genetics (formerly Invitae), Labcorp
Classification: Pathogenic for Aicardi-Goutieres syndrome 5. Last evaluated: 2022-03-27. Review status: criteria provided, single submitter. Criteria: Invitae Variant Classification Sherloc (09022015). Collection method: clinical testing. Allele origin: germline.
Comment: This variant is not present in population databases (gnomAD no frequency). For these reasons, this variant has been classified as Pathogenic. This variant has not been reported in the literature in individuals affected with SAMHD1-related conditions. This sequence change creates a premature translational stop signal (p.Tyr407Leufs*8) in the SAMHD1 gene. It is expected to result in an absent or disrupted protein product. Loss-of-function variants in SAMHD1 are known to be pathogenic (PMID: 19525956, 22461318).

Literature cited by the submitters: PubMed 19525956; PubMed 22461318.